The following is an entry in ClinVar:

NM_004999.4(MYO6):c.3577T>C (p.Trp1193Arg)

Gene: MYO6 (myosin VI; plus strand). Cytogenetic location: 6q14.1.
Variant type: single nucleotide variant.
Coding change: c.3577T>C on transcript NM_004999.4 (MANE Select); coding-DNA position 3577, T replaced by C.
Protein change: p.Trp1193Arg; replaces tryptophan 1193 with arginine.
Molecular consequence: missense variant. On other transcripts: non-coding transcript variant (1).
Genome position (GRCh38, 1-based): chr6:75,914,200, T>C. VCF-style: chr6-75914200-T-C. GRCh37 (hg19) VCF-style: chr6-76623917-T-C.
Other names: c.3508T>C, p.Trp1170Arg (NM_001300899.2); c.3481T>C, p.Trp1161Arg (NM_001368136.1); c.3538T>C, p.Trp1180Arg (NM_001368137.1); c.3493T>C, p.Trp1165Arg (NM_001368138.1); c.3604T>C, p.Trp1202Arg (NM_001368865.1); c.3577T>C, p.Trp1193Arg (NM_001368866.1); short protein forms W1161R, W1165R, W1170R, W1180R, W1193R, W1202R.
Identifiers: ClinVar variation 1699715 (VCV001699715.2), dbSNP rs2149433689, ClinGen allele CA364761973.

ClinVar aggregate classification (germline): Uncertain significance (1 of 4 stars; one submission).

Submission:

GeneDx
Classification: Uncertain significance. Last evaluated: 2022-01-11. Review status: criteria provided, single submitter. Criteria: GeneDx Variant Classification Process June 2021. Collection method: clinical testing. Allele origin: germline. Affected: yes.
Comment: Not observed at significant frequency in large population cohorts (gnomAD); In silico analysis supports that this missense variant has a deleterious effect on protein structure/function; Has not been previously published as pathogenic or benign to our knowledge